The following is an entry in ClinVar:

NM_000465.4(BARD1):c.216-4A>T

Gene: BARD1 (BRCA1 associated RING domain 1; minus strand). Cytogenetic location: 2q35.
Variant type: single nucleotide variant.
Coding change: c.216-4A>T on transcript NM_000465.4 (MANE Select); 4 bases into the intron before coding-DNA position 216, A replaced by T.
Molecular consequence: intron variant.
Genome position (GRCh38, 1-based): chr2:214,792,449, T>A on the plus strand (A>T on the coding strand, the complement: BARD1 is on the minus strand). VCF-style: chr2-214792449-T-A. GRCh37 (hg19) VCF-style: chr2-215657173-T-A.
Other names: c.158+16963A>T (NM_001282548.2); c.159-4A>T (NM_001282543.2); c.215+4612A>T (NM_001282545.2); c.216-4A>T (NM_001282549.2).
Identifiers: ClinVar variation 820826 (VCV000820826.16), dbSNP rs1574840094, ClinGen allele CA915941701.

ClinVar aggregate classification (germline): Likely benign. Review status: criteria provided, multiple submitters, no conflicts (2 of 4 stars). 3 submissions from 3 submitters: Likely benign (3). Last evaluated 2026-02-06.

Conditions:
Hereditary cancer-predisposing syndrome. Also called: Tumor predisposition; Neoplastic Syndromes, Hereditary; Hereditary Cancer Syndrome; Hereditary neoplastic syndrome. Identifiers: Orphanet 140162, MedGen C0027672, MeSH D009386, MONDO:0015356.
Familial cancer of breast. Also called: hereditary breast carcinoma; Hereditary breast cancer; BREAST CANCER, FAMILIAL. Identifiers: Orphanet 227535, MedGen C0346153, MONDO:0016419, OMIM 114480. Disease mechanism: loss of function.

Submissions (3):

Ambry Genetics
Classification: Likely benign for Hereditary cancer-predisposing syndrome. Last evaluated: 2026-02-06. Review status: criteria provided, single submitter. Criteria: Ambry Variant Classification Scheme 2023. Collection method: clinical testing. Allele origin: germline.

Myriad Genetics, Inc.
Classification: Likely benign for Familial cancer of breast. Last evaluated: 2024-07-19. Review status: criteria provided, single submitter. Criteria: Myriad Autosomal Dominant, Autosomal Recessive and X-Linked Classification Criteria (2023). Collection method: clinical testing. Allele origin: unknown.
Comment: This variant is considered likely benign. This variant is intronic and is not expected to impact mRNA splicing.

Labcorp Genetics (formerly Invitae), Labcorp
Classification: Likely benign for Familial cancer of breast. Last evaluated: 2023-04-12. Review status: criteria provided, single submitter. Criteria: Invitae Variant Classification Sherloc (09022015). Collection method: clinical testing. Allele origin: germline.